The following is an entry in ClinVar:

NM_007294.4(BRCA1):c.4675+903C>T

Gene: BRCA1 (BRCA1 DNA repair associated; minus strand). Cytogenetic location: 17q21.31.
Variant type: single nucleotide variant.
Coding change: c.4675+903C>T on transcript NM_007294.4 (MANE Select); 903 bases into the intron after coding-DNA position 4675, C replaced by T.
Molecular consequence: intron variant.
Genome position (GRCh38, 1-based): chr17:43,073,428, G>A on the plus strand (C>T on the coding strand, the complement: BRCA1 is on the minus strand). VCF-style: chr17-43073428-G-A. GRCh37 (hg19) VCF-style: chr17-41225445-G-A.
Other names: IVS 15+903C>T; c.1363+903C>T (NM_007299.4, NM_001407991.1, NM_001407984.1 and 12 more transcripts); c.1366+903C>T (NM_001407974.1, NM_001407973.1, NM_001407975.1 and 3 more transcripts); c.2068+903C>T (NM_001407969.1); c.2071+903C>T (NM_001407968.1); c.4669+903C>T (NM_001407640.1, NM_001407631.1, NM_001407638.1 and 14 more transcripts); c.4672+903C>T (NM_001407626.1, NM_001407617.1, NM_001407622.1 and 17 more transcripts); c.4675+903C>T (NM_001407652.1, NM_001407854.1, NM_001407598.1 and 8 more transcripts); and 72 more.
Identifiers: ClinVar variation 209364 (VCV000209364.2), dbSNP rs74877299, ClinGen allele CA276336.

ClinVar aggregate classification (germline): Benign (3 of 4 stars; one submission).

Conditions:
Breast-ovarian cancer, familial, susceptibility to, 1 (BROVCA1). Also called: BRCA1 Hereditary Breast and Ovarian Cancer; OVARIAN CANCER, SUSCEPTIBILITY TO. Identifiers: Orphanet 145, MedGen C2676676, MONDO:0011450, OMIM 604370. Disease mechanism: loss of function.

Allele frequency attached by ClinVar (database versions not stated): gnomAD 0.01499 and 0.01588; TOPMed 0.01812; 1000 Genomes Project 30x 0.03045; 1000 Genomes Project 0.03115.

Submission:

Evidence-based Network for the Interpretation of Germline Mutant Alleles (ENIGMA)
Classification: Benign for Breast-ovarian cancer, familial 1. Last evaluated: 2015-01-12. Review status: reviewed by expert panel. Criteria: ENIGMA BRCA1/2 Classification Criteria (2015). Collection method: curation. Allele origin: germline.
Comment: Class 1 not pathogenic based on frequency >1% in an outbred sampleset. Frequency 0.07692 (Asian), 0.03862 (African), derived from 1000 genomes (2012-04-30).